The following is an entry in ClinVar:

NM_000094.4(COL7A1):c.977-3C>T

Gene: COL7A1 (collagen type VII alpha 1 chain; minus strand). Cytogenetic location: 3p21.31.
Variant type: single nucleotide variant.
Coding change: c.977-3C>T on transcript NM_000094.4 (MANE Select); 3 bases into the intron before coding-DNA position 977, C replaced by T.
Molecular consequence: intron variant.
Genome position (GRCh38, 1-based): chr3:48,592,470, G>A on the plus strand (C>T on the coding strand, the complement: COL7A1 is on the minus strand). VCF-style: chr3-48592470-G-A. GRCh37 (hg19) VCF-style: chr3-48629903-G-A.
Identifiers: ClinVar variation 2164448 (VCV002164448.3), dbSNP rs769936238, ClinGen allele CA2381367.

ClinVar aggregate classification (germline): Uncertain significance (1 of 4 stars; one submission).

Allele frequency attached by ClinVar (database versions not stated): gnomAD exomes below 0.00001; ExAC 0.00001; gnomAD 0.00002; TOPMed 0.00002.
gnomAD v4.1: 6 of 1,613,334 alleles (0.00037%); highest among the groups gnomAD compares: Non-Finnish European, 0.00051%; no homozygotes.

Submission:

Labcorp Genetics (formerly Invitae), Labcorp
Classification: Uncertain significance. Last evaluated: 2024-10-22. Review status: criteria provided, single submitter. Criteria: Invitae Variant Classification Sherloc (09022015). Collection method: clinical testing. Allele origin: germline.
Comment: This sequence change falls in intron 7 of the COL7A1 gene. It does not directly change the encoded amino acid sequence of the COL7A1 protein. It affects a nucleotide within the consensus splice site. This variant is present in population databases (rs769936238, gnomAD 0.002%). This variant has not been reported in the literature in individuals affected with COL7A1-related conditions. ClinVar contains an entry for this variant (Variation ID: 2164448). Variants that disrupt the consensus splice site are a relatively common cause of aberrant splicing (PMID: 17576681, 9536098). Algorithms developed to predict the effect of sequence changes on RNA splicing suggest that this variant is not likely to affect RNA splicing. In summary, the available evidence is currently insufficient to determine the role of this variant in disease. Therefore, it has been classified as a Variant of Uncertain Significance.

Literature cited by the submitters: PubMed 17576681; PubMed 9536098.